The following is an entry in ClinVar:

NM_003073.5(SMARCB1):c.521C>T (p.Ala174Val)

Gene: SMARCB1 (SWI/SNF related BAF chromatin remodeling complex subunit B1; plus strand). Cytogenetic location: 22q11.23.
Variant type: single nucleotide variant.
Coding change: c.521C>T on transcript NM_003073.5 (MANE Select); coding-DNA position 521, C replaced by T.
Protein change: p.Ala174Val; replaces alanine 174 with valine.
Molecular consequence: missense variant.
Genome position (GRCh38, 1-based): chr22:23,803,315, C>T. VCF-style: chr22-23803315-C-T. GRCh37 (hg19) VCF-style: chr22-24145502-C-T.
Other names: c.494C>T, p.Ala165Val (NM_001007468.3); c.548C>T, p.Ala183Val (NM_001317946.2); c.575C>T, p.Ala192Val (NM_001362877.2); short protein forms A165V, A174V, A183V, A192V.
Identifiers: ClinVar variation 4864832 (VCV004864832.1).

ClinVar aggregate classification (germline): Uncertain significance (1 of 4 stars; one submission).

Conditions:
Hereditary cancer-predisposing syndrome. Also called: Neoplastic Syndromes, Hereditary; Tumor predisposition; Hereditary Cancer Syndrome; Hereditary neoplastic syndrome. Identifiers: Orphanet 140162, MedGen C0027672, MeSH D009386, MONDO:0015356.

Submission:

Ambry Genetics
Classification: Uncertain significance for Hereditary cancer-predisposing syndrome. Last evaluated: 2026-06-02. Review status: criteria provided, single submitter. Criteria: Ambry Variant Classification Scheme 2023. Collection method: clinical testing. Allele origin: germline.
Comment: The p.A174V variant (also known as c.521C>T), located in coding exon 5 of the SMARCB1 gene, results from a C to T substitution at nucleotide position 521. The alanine at codon 174 is replaced by valine, an amino acid with similar properties. This amino acid position is conserved. In addition, the in silico prediction for this alteration is inconclusive. Based on the available evidence, the clinical significance of this variant remains unclear.